The following is an entry in ClinVar:

ClinVar aggregate classification (germline): Likely pathogenic (1 of 4 stars; one submission).

Conditions:
Nemaline myopathy 2 (NEM2). Also called: Nemaline myopathy 2, autosomal recessive. Identifiers: MedGen C1850569, MONDO:0009725, OMIM 256030.

Submission:

Natera, Inc.
Classification: Likely pathogenic for Nemaline myopathy type 2. Last evaluated: 2024-07-30. Review status: criteria provided, single submitter. Criteria: Natera Variant Classification Schema (03/2026). Collection method: clinical testing. Allele origin: germline.
Comment: The c.3060del variant in NEB is a frameshift variant predicted to shift the reading frame beginning at codon 1021 and leads to a stop codon 36 codons downstream. This variant is expected to result in nonsense mediated decay, truncation, or a dysfunctional protein product. This variant is rare in the general population with a frequency below the threshold expected for the associated phenotype(s). Given the available evidence, this variant is classified as Likely Pathogenic.

NM_001164508.2(NEB):c.3060del (p.Gly1021fs)

Gene: NEB (nebulin; minus strand). Cytogenetic location: 2q23.3.
Variant type: Deletion.
Coding change: c.3060del on transcript NM_001164508.2 (MANE Select); coding-DNA position 3060, one base deleted (A; older notation c.3060delA).
Protein change: p.Gly1021fs; shifts the reading frame from glycine 1021.
Molecular consequence: frameshift variant.
Genome position (GRCh38, 1-based): chr2:151,680,005, T deleted on the plus strand (A on the coding strand, the reverse complement: NEB is on the minus strand); the first of 3 consecutive T bases (chr2:151,680,005-151,680,007); deleting any one gives the same sequence. VCF-style (leftmost placement, unchanged base first): chr2-151680004-CT-C. GRCh37 (hg19) VCF-style: chr2-152536518-CT-C.
Other names: c.3060del, p.Gly1021fs (NM_001164507.2, NM_001271208.2, NM_004543.5); c.3058delA, p.Gly1021Glufs (NM_001271208.1); short protein forms G1021fs.
Identifiers: ClinVar variation 4814771 (VCV004814771.1).